The following is an entry in ClinVar:

ClinVar aggregate classification (germline): Pathogenic. Review status: criteria provided, multiple submitters, no conflicts (2 of 4 stars). 2 submissions from 2 submitters: Pathogenic (2). Last evaluated 2026-03-25.

Conditions:
Autosomal recessive nonsyndromic hearing loss 3. Also called: NEUROSENSORY NONSYNDROMIC RECESSIVE DEAFNESS 3. Identifiers: Orphanet 90636, MedGen C1838263, MONDO:0010860, OMIM 600316.

Allele frequency attached by ClinVar (database versions not stated): gnomAD exomes below 0.00001.
gnomAD v4.1: 1 of 1,613,478 alleles (0.000062%); highest among the groups gnomAD compares: Non-Finnish European, 0.000085%; no homozygotes.

Submissions (2):

Women's Health and Genetics/Laboratory Corporation of America, LabCorp
Classification: Pathogenic for Autosomal recessive nonsyndromic hearing loss 3. Last evaluated: 2026-03-25. Review status: criteria provided, single submitter. Criteria: LabCorp Variant Classification Summary - May 2015. Collection method: clinical testing. Allele origin: germline.
Comment: Variant summary: MYO15A c.8222T>C (p.Phe2741Ser) results in a non-conservative amino acid change in the encoded protein sequence. Algorithms developed to predict the effect of missense changes on protein structure and function all suggest that this variant is likely to be disruptive. The variant was absent in 248640 control chromosomes (gnomAD). c.8222T>C has been observed in multiple individuals affected with Autosomal Recessive Nonsyndromic Hearing Loss 3 (Shafique_2014). These data indicate that the variant is very likely to be associated with disease. The following publication has been ascertained in the context of this evaluation (PMID: 24949729). ClinVar contains an entry for this variant (Variation ID: 2736475). Based on the evidence outlined above, the variant was classified as pathogenic.

Labcorp Genetics (formerly Invitae), Labcorp
Classification: Pathogenic. Last evaluated: 2023-07-22. Review status: criteria provided, single submitter. Criteria: Invitae Variant Classification Sherloc (09022015). Collection method: clinical testing. Allele origin: germline.
Comment: This sequence change replaces phenylalanine, which is neutral and non-polar, with serine, which is neutral and polar, at codon 2741 of the MYO15A protein (p.Phe2741Ser). This variant is not present in population databases (gnomAD no frequency). This missense change has been observed in individual(s) with autosomal recessive deafness (PMID: 24949729). It has also been observed to segregate with disease in related individuals. Experimental studies and prediction algorithms are not available or were not evaluated, and the functional significance of this variant is currently unknown. For these reasons, this variant has been classified as Pathogenic.

Literature cited by the submitters: PubMed 24949729 (cited by Women's Health and Genetics/Laboratory Corporation of America, LabCorp and Labcorp Genetics (formerly Invitae), Labcorp).

NM_016239.4(MYO15A):c.8222T>C (p.Phe2741Ser)

Gene: MYO15A (myosin XVA; plus strand). Cytogenetic location: 17p11.2.
Variant type: single nucleotide variant.
Coding change: c.8222T>C on transcript NM_016239.4 (MANE Select); coding-DNA position 8222, T replaced by C.
Protein change: p.Phe2741Ser; replaces phenylalanine 2741 with serine.
Molecular consequence: missense variant.
Genome position (GRCh38, 1-based): chr17:18,154,753, T>C. VCF-style: chr17-18154753-T-C. GRCh37 (hg19) VCF-style: chr17-18058067-T-C.
Other names: short protein forms F2741S.
Identifiers: ClinVar variation 2736475 (VCV002736475.4), dbSNP rs2545295851, ClinGen allele CA398625817.